The following is an entry in ClinVar:

NM_033517.1:c.3146C>T

Gene: SHANK3 (SH3 and multiple ankyrin repeat domains 3; plus strand).
Variant type: single nucleotide variant.
Other names: c.3146C>T (NM_033517.1).
Identifiers: ClinVar variation 4082734 (VCV004082734.1).

ClinVar aggregate classification (germline): Uncertain significance (1 of 4 stars; one submission).

Submission:

GeneDx
Classification: Uncertain significance. Last evaluated: 2025-03-05. Review status: criteria provided, single submitter. Criteria: GeneDx Variant Classification Process June 2021. Collection method: clinical testing. Allele origin: germline. Affected: yes.
Comment: Has not been previously published as pathogenic or benign to our knowledge; In silico analysis is inconclusive as to whether the variant alters gene splicing. In the absence of RNA/functional studies, the actual effect of this sequence change is unknown.; In silico analysis does not support a benign or deleterious effect of this variant on protein structure/function